The following is an entry in ClinVar:

ClinVar aggregate classification (germline): Pathogenic. Review status: criteria provided, multiple submitters, no conflicts (2 of 4 stars). 2 submissions from 2 submitters: Pathogenic (2). Last evaluated 2026-02-02.

Conditions:
Axial spondylometaphyseal dysplasia. Also called: AXIAL SMD. Identifiers: Orphanet 168549, MedGen C1865695, MONDO:0011211, OMIM 602271.

Submissions (2):

Laboratory of Functional Genomics, Research Centre for Medical Genetics
Classification: Pathogenic for Axial spondylometaphyseal dysplasia. Last evaluated: 2026-02-02. Review status: criteria provided, single submitter. Criteria: ACMG Guidelines, 2015. Collection method: clinical testing. Allele origin: germline. Inheritance: Autosomal recessive inheritance. Affected: yes. Observed: 1 variant allele, 1 homozygote.
Comment: RNA analysis revealed complete loss of normal splicing, with predominant exon 6 skipping (86.5%, causing p.(Ser183ThrfsTer3)) and minor intron 6 retention (13.5%, causing p.(Asn215AlafsTer260)), neither observed in controls.

Laboratory of Inherited Metabolic Diseases, Research centre for medical genetics
Classification: Pathogenic for Axial spondylometaphyseal dysplasia. Last evaluated: 2022-04-01. Review status: criteria provided, single submitter. Criteria: ACMG Guidelines, 2015. Collection method: clinical testing. Allele origin: inherited. Affected: yes. Observed: 1 variant allele.

NM_004928.3(CFAP410):c.642+2T>C

Gene: CFAP410 (cilia and flagella associated protein 410; minus strand). Cytogenetic location: 21q22.3.
Variant type: single nucleotide variant.
Coding change: c.642+2T>C on transcript NM_004928.3 (MANE Select); the canonical splice donor site of the intron after coding-DNA position 642, T replaced by C.
Molecular consequence: splice donor variant. On other transcripts: missense variant (1).
Genome position (GRCh38, 1-based): chr21:44,330,821, A>G on the plus strand (T>C on the coding strand, the complement: CFAP410 is on the minus strand). VCF-style: chr21-44330821-A-G. GRCh37 (hg19) VCF-style: chr21-45750704-A-G.
Other names: c.516+2T>C (NM_001271442.1); c.641T>C, p.Val214Ala (NM_001271441.2); c.639+2T>C (NM_001271440.2); short protein forms V214A.
Identifiers: ClinVar variation 1683424 (VCV001683424.3), dbSNP rs2146057228, ClinGen allele CA410452225.